The following is an entry in ClinVar:

ClinVar aggregate classification (germline): Uncertain significance (1 of 4 stars; one submission).

Conditions:
POLG-related disorder. Also called: POLG-related condition; POLG-Related Disorders; POLG-Related Spectrum Disorders. Identifiers: MedGen C4763519.

gnomAD v4.1: 1 of 1,614,096 alleles (0.000062%); highest among the groups gnomAD compares: African/African-American, 0.0013%; no homozygotes.

Submission:

PreventionGenetics, part of Exact Sciences
Classification: Uncertain significance for POLG-related condition. Last evaluated: 2025-12-18. Review status: criteria provided, single submitter. Criteria: ACMG Guidelines, 2015. Collection method: clinical testing. Allele origin: germline.
Comment: The POLG c.2645C>G variant is predicted to result in the amino acid substitution p.Pro882Arg. To our knowledge, this variant has not been reported in the literature. This variant is reported in 0.0062% of alleles in individuals of African descent in gnomAD. At this time, the clinical significance of this variant is uncertain due to the absence of conclusive functional and genetic evidence.

NM_002693.3(POLG):c.2645C>G (p.Pro882Arg)

Gene: POLG (DNA polymerase gamma, catalytic subunit; minus strand). Cytogenetic location: 15q26.1.
Variant type: single nucleotide variant.
Coding change: c.2645C>G on transcript NM_002693.3 (MANE Select); coding-DNA position 2645, C replaced by G.
Protein change: p.Pro882Arg; replaces proline 882 with arginine.
Molecular consequence: missense variant.
Genome position (GRCh38, 1-based): chr15:89,321,214, G>C on the plus strand (C>G on the coding strand, the complement: POLG is on the minus strand). VCF-style: chr15-89321214-G-C. GRCh37 (hg19) VCF-style: chr15-89864445-G-C.
Other names: c.2645C>G, p.Pro882Arg (NM_001126131.2); short protein forms P882R.
Identifiers: ClinVar variation 4995922 (VCV004995922.1).
Genomic context (GRCh38, chr15:89,321,214, plus strand): 5'-AGCACAGCTGCAATCCACAGCTCTTGGGAGTCCACATCAGCACCCACAAGGGTGTAGCCA[G>C]GTGGGGCCTGCACCATGGCTTTCAACTCACTGCCTACTCGGTCAGGCTGTGGGAAGAGTG-3'
Protein context (NP_002684.1, residues 872-892): SELKAMVQAP[Pro882Arg]GYTLVGADVD